The following is an entry in ClinVar:

ClinVar aggregate classification (germline): Pathogenic. Review status: criteria provided, single submitter (1 of 4 stars). 2 submissions from 2 submitters: Pathogenic (1). 1 of the submissions does not count toward it. Last evaluated 2025-05-05.

Conditions:
Charcot-Marie-Tooth disease type 4. Also called: Charcot-Marie-Tooth disease, type IV; Charcot-Marie-Tooth, Type 4. Identifiers: Orphanet 64749, MedGen C4082197, MONDO:0018995.
Charcot-Marie-Tooth disease type 4H (CMT4H). Also called: CHARCOT-MARIE-TOOTH DISEASE, AUTOSOMAL RECESSIVE, TYPE 4H; CHARCOT-MARIE-TOOTH DISEASE, DEMYELINATING, AUTOSOMAL RECESSIVE, TYPE 4H; CHARCOT-MARIE-TOOTH NEUROPATHY, TYPE 4H; CHARCOT-MARIE-TOOTH DISEASE, DEMYELINATING, TYPE 4H. Identifiers: Orphanet 99954, MedGen C1836336, MONDO:0012250, OMIM 609311.

Submissions (2):

Labcorp Genetics (formerly Invitae), Labcorp
Classification: Pathogenic for Charcot-Marie-Tooth disease type 4. Last evaluated: 2025-05-05. Review status: criteria provided, single submitter. Criteria: Invitae Variant Classification Sherloc (09022015). Collection method: clinical testing. Allele origin: germline.
Comment: This sequence change creates a premature translational stop signal (p.Asp229Glyfs*22) in the FGD4 gene. It is expected to result in an absent or disrupted protein product. Loss-of-function variants in FGD4 are known to be pathogenic (PMID: 17564972). This variant is not present in population databases (gnomAD no frequency). This variant has not been reported in the literature in individuals affected with FGD4-related conditions. ClinVar contains an entry for this variant (Variation ID: 1184559). For these reasons, this variant has been classified as Pathogenic.

Genomics England Pilot Project, Genomics England
Classification: Likely pathogenic for Charcot-Marie-Tooth disease type 4H. Review status: no assertion criteria provided. Criteria: ACGS Guidelines, 2016. Collection method: clinical testing. Allele origin: germline. Affected: yes. Not counted in ClinVar's aggregate classification.

Literature cited by the submitters: PubMed 17564972 (cited by Labcorp Genetics (formerly Invitae), Labcorp).

NM_001370298.3(FGD4):c.1097_1101del (p.Asp366fs)

Gene: FGD4 (FYVE, RhoGEF and PH domain containing 4; plus strand). Cytogenetic location: 12p11.21.
Variant type: Deletion.
Coding change: c.1097_1101del on transcript NM_001370298.3 (MANE Select); coding-DNA positions 1097 to 1101, 5 bases deleted (ATCAG; older notation c.1097_1101delATCAG).
Protein change: p.Asp366fs; shifts the reading frame from aspartic acid 366.
Molecular consequence: frameshift variant. On other transcripts: 5 prime UTR variant (2).
Genome position (GRCh38, 1-based): chr12:32,598,582-32,598,586, ATCAG deleted; deleting any 5 consecutive bases within chr12:32,598,580-32,598,586 gives the same sequence; the c. name uses the placement nearest the transcript's 3' end. VCF-style (leftmost placement, unchanged base first): chr12-32598579-TAGATC-T. GRCh37 (hg19) VCF-style: chr12-32751513-TAGATC-T.
Other names: c.941_945delATCAG, p.Asp314Glyfs (NM_001304481.2); c.-159_-155delATCAG (NM_001304483.2); c.-466_-462delATCAG (NM_001304484.2); c.407_411del, p.Asp136fs (NM_001330373.2, NM_001330374.2, NM_001384130.1); c.134_138del, p.Asp45fs (NM_001370297.1); c.1097_1101del, p.Asp366fs (NM_001384126.1); c.686_690del, p.Asp229fs (NM_001384127.1, NM_001384128.1, NM_001385118.1 and 1 more transcripts); short protein forms D136fs, D229fs, D314fs, D366fs, D45fs.
Identifiers: ClinVar variation 1184559 (VCV001184559.4), dbSNP rs2136608035, ClinGen allele CA2499221615.